The following is an entry in ClinVar:

ClinVar aggregate classification (germline): Uncertain significance. Review status: criteria provided, multiple submitters, no conflicts (2 of 4 stars). 2 submissions from 2 submitters: Uncertain significance (2). Last evaluated 2025-07-21.

Conditions:
Familial hypercholesterolemia. Also called: Familial hypercholesterolaemia. Identifiers: MedGen C0020445, MONDO:0005439.

gnomAD v4.1: 6 of 1,613,622 alleles (0.00037%); highest among the groups gnomAD compares: South Asian, 0.0011%; no homozygotes.

Submissions (2):

Cambridge Genomics Laboratory, East Genomic Laboratory Hub, NHS Genomic Medicine Service
Classification: Uncertain significance for Familial hypercholesterolaemia. Last evaluated: 2025-07-21. Review status: criteria provided, single submitter. Criteria: ACGS Best Practice Guidelines for Variant Classification in Rare Disease 2020. Collection method: clinical testing. Allele origin: germline. Affected: yes.
Comment: PM2_Supporting,PP4

GeneDx
Classification: Uncertain significance. Last evaluated: 2025-03-22. Review status: criteria provided, single submitter. Criteria: GeneDx Variant Classification Process June 2021. Collection method: clinical testing. Allele origin: germline. Affected: yes.
Comment: Not observed at significant frequency in large population cohorts (gnomAD); In silico analysis supports that this missense variant has a deleterious effect on protein structure/function; Has not been previously published as pathogenic or benign to our knowledge

NM_000384.3(APOB):c.6827T>C (p.Ile2276Thr)

Gene: APOB (apolipoprotein B; minus strand). Cytogenetic location: 2p24.1.
Variant type: single nucleotide variant.
Coding change: c.6827T>C on transcript NM_000384.3 (MANE Select); coding-DNA position 6827, T replaced by C.
Protein change: p.Ile2276Thr; replaces isoleucine 2276 with threonine.
Molecular consequence: missense variant.
Genome position (GRCh38, 1-based): chr2:21,010,041, A>G on the plus strand (T>C on the coding strand, the complement: APOB is on the minus strand). VCF-style: chr2-21010041-A-G. GRCh37 (hg19) VCF-style: chr2-21232913-A-G.
Other names: short protein forms I2276T.
Identifiers: ClinVar variation 4086429 (VCV004086429.2).
Genomic context (GRCh38, chr2:21,010,041, plus strand): 5'-ACTCTAACATCAATAGCCTCAATGTGTTGTTTTAACTTTCCAGCTAGGTGCTGGATGTCT[A>G]TATTCTGTATGTGTCTCTTAAGCTGCTGCAGTTTTTCTTGTATCTGGATTCTGATTTGGT-3'
Protein context (NP_000375.3, residues 2266-2286): LQQLKRHIQN[Ile2276Thr]DIQHLAGKLK